The following is an entry in ClinVar:

ClinVar aggregate classification (germline): Uncertain significance (1 of 4 stars; one submission).

Conditions:
Hereditary cancer-predisposing syndrome. Also called: Neoplastic Syndromes, Hereditary; Tumor predisposition; Hereditary neoplastic syndrome; Hereditary Cancer Syndrome. Identifiers: Orphanet 140162, MedGen C0027672, MeSH D009386, MONDO:0015356.

gnomAD v4.1: 2 of 1,613,844 alleles (0.00012%); highest among the groups gnomAD compares: Non-Finnish European, 0.00017%; no homozygotes.

Submission:

Ambry Genetics
Classification: Uncertain significance for Hereditary cancer-predisposing syndrome. Last evaluated: 2025-02-15. Review status: criteria provided, single submitter. Criteria: Ambry Variant Classification Scheme 2023. Collection method: clinical testing. Allele origin: germline.
Comment: The p.K1878R variant (also known as c.5633A>G), located in coding exon 15 of the APC gene, results from an A to G substitution at nucleotide position 5633. The lysine at codon 1878 is replaced by arginine, an amino acid with highly similar properties. This amino acid position is well conserved in available vertebrate species. In addition, in silico predictors for this gene do not accurately predict pathogenicity. Missense alterations in APC are not a common cause of disease (Spier I et al. Genet Med. 2024 Feb;26(2):100992). Based on the available evidence, the clinical significance of this variant remains unclear.

NM_000038.6(APC):c.5633A>G (p.Lys1878Arg)

Gene: APC (APC regulator of Wnt signaling pathway; plus strand). Cytogenetic location: 5q22.2.
Variant type: single nucleotide variant.
Coding change: c.5633A>G on transcript NM_000038.6 (MANE Select); coding-DNA position 5633, A replaced by G.
Protein change: p.Lys1878Arg; replaces lysine 1878 with arginine.
Molecular consequence: missense variant.
Genome position (GRCh38, 1-based): chr5:112,841,227, A>G. VCF-style: chr5-112841227-A-G. GRCh37 (hg19) VCF-style: chr5-112176924-A-G.
Other names: c.5633A>G, p.Lys1878Arg (NM_001127510.3, NM_001354895.2); c.5579A>G, p.Lys1860Arg (NM_001127511.3); c.5687A>G, p.Lys1896Arg (NM_001354896.2); c.5663A>G, p.Lys1888Arg (NM_001354897.2); c.5558A>G, p.Lys1853Arg (NM_001354898.2); c.5549A>G, p.Lys1850Arg (NM_001354899.2); c.5510A>G, p.Lys1837Arg (NM_001354900.2); c.5456A>G, p.Lys1819Arg (NM_001354901.2); and 5 more; short protein forms K1595R, K1777R, K1819R, K1896R, K1752R, K1850R, K1860R, K1878R.
Identifiers: ClinVar variation 825857 (VCV000825857.5), dbSNP rs1580661996, ClinGen allele CA16033662.